The following is an entry in ClinVar:

NM_006129.5(BMP1):c.1249C>T (p.Arg417Cys)

Gene: BMP1 (bone morphogenetic protein 1; plus strand). Cytogenetic location: 8p21.3.
Variant type: single nucleotide variant.
Coding change: c.1249C>T on transcript NM_006129.5 (MANE Select); coding-DNA position 1249, C replaced by T.
Protein change: p.Arg417Cys; replaces arginine 417 with cysteine.
Molecular consequence: missense variant. On other transcripts: non-coding transcript variant (2).
Genome position (GRCh38, 1-based): chr8:22,194,126, C>T. VCF-style: chr8-22194126-C-T. GRCh37 (hg19) VCF-style: chr8-22051639-C-T.
Other names: c.1249C>T, p.Arg417Cys (NM_001199.4); short protein forms R417C.
Identifiers: ClinVar variation 2078077 (VCV002078077.4), dbSNP rs147413726, ClinGen allele CA4664608.

ClinVar aggregate classification (germline): Uncertain significance. Review status: criteria provided, multiple submitters, no conflicts (2 of 4 stars). 3 submissions from 3 submitters: Uncertain significance (3). Last evaluated 2024-12-20.

Conditions:
Osteogenesis imperfecta type 13. Also called: OI, TYPE XIII; Osteogenesis imperfecta, type xiii. Identifiers: Orphanet 666, MedGen C3553887, MONDO:0013924, OMIM 614856.

Allele frequency attached by ClinVar (database versions not stated): TOPMed 0.00004; ExAC 0.00007; gnomAD exomes 0.00008; ESP Exome Variant Server 0.00031.
gnomAD v4.1: 121 of 1,613,914 alleles (0.0075%); highest among the groups gnomAD compares: Non-Finnish European, 0.0093%; no homozygotes.

Submissions (3):

ARUP Laboratories, Molecular Genetics and Genomics, ARUP Laboratories
Classification: Uncertain significance for Osteogenesis imperfecta type 13. Last evaluated: 2024-12-20. Review status: criteria provided, single submitter. Criteria: ARUP Molecular Germline Variant Investigation Process 2024. Collection method: clinical testing. Allele origin: germline.
Comment: The BMP1 c.1249C>T; p.Arg417Cys variant (rs147413726), to our knowledge, is not reported in the medical literature but is reported in ClinVar (Variation ID: 2078077). This variant is found in the general population with an overall allele frequency of 0.007% (21/282,888 alleles) in the Genome Aggregation Database (v2.1.1). Computational analyses are uncertain whether this variant is neutral or deleterious (REVEL: 0.406). Due to limited information, the clinical significance of this variant is uncertain at this time.

Blueprint Genetics
Classification: Uncertain significance. Last evaluated: 2024-09-16. Review status: criteria provided, single submitter. Criteria: ACMG Guidelines, 2015. Collection method: clinical testing. Allele origin: germline.

Labcorp Genetics (formerly Invitae), Labcorp
Classification: Uncertain significance. Last evaluated: 2024-08-19. Review status: criteria provided, single submitter. Criteria: Invitae Variant Classification Sherloc (09022015). Collection method: clinical testing. Allele origin: germline.
Comment: This sequence change replaces arginine, which is basic and polar, with cysteine, which is neutral and slightly polar, at codon 417 of the BMP1 protein (p.Arg417Cys). This variant is present in population databases (rs147413726, gnomAD 0.01%). This variant has not been reported in the literature in individuals affected with BMP1-related conditions. ClinVar contains an entry for this variant (Variation ID: 2078077). Invitae Evidence Modeling of protein sequence and biophysical properties (such as structural, functional, and spatial information, amino acid conservation, physicochemical variation, residue mobility, and thermodynamic stability) has been performed for this missense variant. However, the output from this modeling did not meet the statistical confidence thresholds required to predict the impact of this variant on BMP1 protein function. In summary, the available evidence is currently insufficient to determine the role of this variant in disease. Therefore, it has been classified as a Variant of Uncertain Significance.